The following is an entry in ClinVar:

NM_001199107.2(TBC1D24):c.546G>A (p.Thr182=)

Gene: TBC1D24 (TBC1 domain family member 24; plus strand). Cytogenetic location: 16p13.3.
Variant type: single nucleotide variant.
Coding change: c.546G>A on transcript NM_001199107.2 (MANE Select); coding-DNA position 546, G replaced by A.
Protein change: p.Thr182=; no amino-acid change (threonine 182 retained).
Molecular consequence: synonymous variant.
Genome position (GRCh38, 1-based): chr16:2,496,694, G>A. VCF-style: chr16-2496694-G-A. GRCh37 (hg19) VCF-style: chr16-2546695-G-A.
Other names: c.546G>A, p.Thr182= (NM_020705.3).
Identifiers: ClinVar variation 378703 (VCV000378703.28), dbSNP rs182825122, ClinGen allele CA7844022.

ClinVar aggregate classification (germline): Likely benign. Review status: criteria provided, multiple submitters, no conflicts (2 of 4 stars). 6 submissions from 6 submitters: Likely benign (6). Last evaluated 2026-08-01.

Conditions:
Autosomal dominant nonsyndromic hearing loss 65. Also called: Deafness, autosomal dominant 65; TBC1D24-Related Autosomal Dominant Nonsyndromic Hearing Loss (DFNA). Identifiers: Orphanet 90635, MedGen C3892048, MONDO:0014470, OMIM 616044.
Developmental and epileptic encephalopathy, 1 (DEE1). Also called: OHTAHARA SYNDROME, X-LINKED; Epileptic encephalopathy, early infantile, 1; INFANTILE SPASM SYNDROME, X-LINKED 1; X-linked infantile spasms; West's syndrome; Tonic spasms with clustering, arrest of psychomotor development and hypsarrhythmia on EEG. Identifiers: MedGen C3463992, MONDO:0010632, OMIM 308350. Disease mechanism: loss of function.
Inborn genetic diseases. Identifiers: MedGen C0950123, MeSH D030342.

Allele frequency attached by ClinVar (database versions not stated): gnomAD 0.00007; TOPMed 0.00011; 1000 Genomes Project 30x 0.00016; 1000 Genomes Project 0.00020.

Submissions (6):

CeGaT Center for Human Genetics Tuebingen
Classification: Likely benign. Last evaluated: 2026-08-01. Review status: criteria provided, single submitter. Criteria: CeGaT Center For Human Genetics Tuebingen Variant Classification Criteria Version 2. Collection method: clinical testing. Allele origin: germline. Affected: yes. Observed: 3 variant alleles.
Comment: TBC1D24: BP4, BP7

Labcorp Genetics (formerly Invitae), Labcorp
Classification: Likely benign for Developmental and epileptic encephalopathy, 1; Autosomal dominant nonsyndromic hearing loss 65. Last evaluated: 2026-01-12. Review status: criteria provided, single submitter. Criteria: Invitae Variant Classification Sherloc (09022015). Collection method: clinical testing. Allele origin: germline.

Women's Health and Genetics/Laboratory Corporation of America, LabCorp
Classification: Likely benign. Last evaluated: 2025-09-24. Review status: criteria provided, single submitter. Criteria: LabCorp Variant Classification Summary - May 2015. Collection method: clinical testing. Allele origin: germline.

Blueprint Genetics
Classification: Likely benign. Last evaluated: 2024-10-02. Review status: criteria provided, single submitter. Criteria: ACMG Guidelines, 2015. Collection method: clinical testing. Allele origin: germline.

GeneDx
Classification: Likely benign. Last evaluated: 2021-02-26. Review status: criteria provided, single submitter. Criteria: GeneDx Variant Classification Process June 2021. Collection method: clinical testing. Allele origin: germline. Affected: yes.

Ambry Genetics
Classification: Likely benign for Inborn genetic diseases. Last evaluated: 2017-01-25. Review status: criteria provided, single submitter. Criteria: Ambry Variant Classification Scheme 2023. Collection method: clinical testing. Allele origin: germline.